The following is an entry in ClinVar:

ClinVar aggregate classification (germline): Benign/Likely benign. Review status: criteria provided, multiple submitters, no conflicts (2 of 4 stars). 7 submissions from 7 submitters: Benign (4); Likely benign (2). 1 of the submissions does not count toward it. Last evaluated 2026-01-28.

Conditions:
AHDC1-related disorder. Also called: AHDC1-related condition.
AHDC1-related intellectual disability - obstructive sleep apnea - mild dysmorphism syndrome. Also called: Xia-Gibbs syndrome. Identifiers: Orphanet 412069, MedGen C4014419, MONDO:0014358, OMIM 615829.

Allele frequency attached by ClinVar (database versions not stated): gnomAD 0.00057 and 0.00074; TOPMed 0.00104; ExAC 0.00128; gnomAD exomes 0.00130; 1000 Genomes Project 30x 0.00234; 1000 Genomes Project 0.00300.
gnomAD v4.1: 1,204 of 1,608,752 alleles (0.075%); highest among the groups gnomAD compares: East Asian, 1.6%; 8 homozygotes.

Submissions (7):

Labcorp Genetics (formerly Invitae), Labcorp
Classification: Benign. Last evaluated: 2026-01-28. Review status: criteria provided, single submitter. Criteria: Invitae Variant Classification Sherloc (09022015). Collection method: clinical testing. Allele origin: germline.

Blueprint Genetics
Classification: Likely benign. Last evaluated: 2024-11-20. Review status: criteria provided, single submitter. Criteria: ACMG Guidelines, 2015. Collection method: clinical testing. Allele origin: germline.

CeGaT Center for Human Genetics Tuebingen
Classification: Likely benign. Last evaluated: 2024-05-01. Review status: criteria provided, single submitter. Criteria: CeGaT Center For Human Genetics Tuebingen Variant Classification Criteria Version 2. Collection method: clinical testing. Allele origin: germline. Affected: yes. Observed: 3 variant alleles.
Comment: AHDC1: BP4, BP7, BS1

Genome-Nilou Lab
Classification: Benign for AHDC1-related intellectual disability - obstructive sleep apnea - mild dysmorphism syndrome. Last evaluated: 2021-12-05. Review status: criteria provided, single submitter. Criteria: ACMG Guidelines, 2015. Collection method: clinical testing. Allele origin: germline. Affected: no.

GeneDx
Classification: Benign. Last evaluated: 2020-09-09. Review status: criteria provided, single submitter. Criteria: GeneDx Variant Classification Process June 2021. Collection method: clinical testing. Allele origin: germline. Affected: yes.

Breakthrough Genomics
Classification: Benign. Review status: criteria provided, single submitter. Criteria: ACMG Guidelines, 2015. Collection method: not provided. Allele origin: germline. Inheritance: Autosomal dominant inheritance. Affected: yes.

PreventionGenetics, part of Exact Sciences
Classification: Benign for AHDC1-related condition. Last evaluated: 2019-09-10. Review status: no assertion criteria provided. Collection method: clinical testing. Allele origin: germline. Not counted in ClinVar's aggregate classification.
Comment: This variant is classified as benign based on ACMG/AMP sequence variant interpretation guidelines (Richards et al. 2015 PMID: 25741868, with internal and published modifications).

NM_001371928.1(AHDC1):c.1608C>T (p.Pro536=)

Gene: AHDC1 (AT-hook DNA binding motif containing 1; minus strand). Cytogenetic location: 1p36.11.
Variant type: single nucleotide variant.
Coding change: c.1608C>T on transcript NM_001371928.1 (MANE Select); coding-DNA position 1608, C replaced by T.
Protein change: p.Pro536=; no amino-acid change (proline 536 retained).
Molecular consequence: synonymous variant.
Genome position (GRCh38, 1-based): chr1:27,550,508, G>A on the plus strand (C>T on the coding strand, the complement: AHDC1 is on the minus strand). VCF-style: chr1-27550508-G-A. GRCh37 (hg19) VCF-style: chr1-27877019-G-A.
Other names: c.1608C>T, p.Pro536= (NM_001029882.3); c.1608C>T (NM_001029882.2).
Identifiers: ClinVar variation 725515 (VCV000725515.36), dbSNP rs143794200, ClinGen allele CA715916.